The following is an entry in ClinVar:

NM_002608.4(PDGFB):c.240A>G (p.Arg80=)

Gene: PDGFB (platelet derived growth factor subunit B; minus strand). Cytogenetic location: 22q13.1.
Variant type: single nucleotide variant.
Coding change: c.240A>G on transcript NM_002608.4 (MANE Select); coding-DNA position 240, A replaced by G.
Protein change: p.Arg80=; no amino-acid change (arginine 80 retained).
Molecular consequence: synonymous variant.
Genome position (GRCh38, 1-based): chr22:39,233,445, T>C on the plus strand (A>G on the coding strand, the complement: PDGFB is on the minus strand). VCF-style: chr22-39233445-T-C. GRCh37 (hg19) VCF-style: chr22-39629450-T-C.
Other names: c.195A>G, p.Arg65= (NM_033016.3).
Identifiers: ClinVar variation 3257426 (VCV003257426.17).
Genomic context (GRCh38, chr22:39,233,445, plus strand): 5'-CTGGCCCCCATGCTAATTTGAAGGACCCTTGTTGGGTGTCTCAGTCTTACCCAGGCTCCT[T>C]CTTCCACGAGCCAAGCTCTCCAGCTCGCCTCCAGAGTGGGAGCGGGTCATGTTCAGGTCC-3'
Protein context (NP_002599.1, residues 70-90): GGELESLARG[Arg80=]RSLGSLTIAE

ClinVar aggregate classification (germline): Likely benign (1 of 4 stars; one submission).

gnomAD v4.1: 2 of 1,595,226 alleles (0.00013%); highest among the groups gnomAD compares: Non-Finnish European, 0.00017%; no homozygotes.

Submission:

CeGaT Center for Human Genetics Tuebingen
Classification: Likely benign. Last evaluated: 2024-07-01. Review status: criteria provided, single submitter. Criteria: CeGaT Center For Human Genetics Tuebingen Variant Classification Criteria Version 2. Collection method: clinical testing. Allele origin: germline. Affected: yes. Observed: 1 variant allele.
Comment: PDGFB: BP4, BP7